The following is an entry in ClinVar:

NM_007129.5(ZIC2):c.525C>T (p.Leu175=)

Gene: ZIC2 (Zic family zinc finger 2; plus strand). Cytogenetic location: 13q32.3.
Variant type: single nucleotide variant.
Coding change: c.525C>T on transcript NM_007129.5 (MANE Select); coding-DNA position 525, C replaced by T.
Protein change: p.Leu175=; no amino-acid change (leucine 175 retained).
Molecular consequence: synonymous variant.
Genome position (GRCh38, 1-based): chr13:99,982,589, C>T. VCF-style: chr13-99982589-C-T. GRCh37 (hg19) VCF-style: chr13-100634843-C-T.
Other names: c.525C>T (NM_007129.3).
Identifiers: ClinVar variation 2805454 (VCV002805454.5), dbSNP rs1055955813, ClinGen allele CA255394499.

ClinVar aggregate classification (germline): Likely benign. Review status: criteria provided, single submitter (1 of 4 stars). 2 submissions from 2 submitters: Likely benign (1). 1 of the submissions does not count toward it. Last evaluated 2023-09-20.

Conditions:
ZIC2-related disorder. Also called: ZIC2-related condition.
Holoprosencephaly 5 (HPE5). Identifiers: Orphanet 2162, MedGen C1864827, MONDO:0012322, OMIM 609637.

Allele frequency attached by ClinVar (database versions not stated): gnomAD exomes below 0.00001; gnomAD 0.00001; TOPMed 0.00002; 1000 Genomes Project 30x 0.00016.
gnomAD v4.1: 3 of 1,574,744 alleles (0.00019%); highest among the groups gnomAD compares: African/African-American, 0.004%; no homozygotes.

Submissions (2):

Labcorp Genetics (formerly Invitae), Labcorp
Classification: Likely benign for Holoprosencephaly 5. Last evaluated: 2023-09-20. Review status: criteria provided, single submitter. Criteria: Invitae Variant Classification Sherloc (09022015). Collection method: clinical testing. Allele origin: germline.

PreventionGenetics, part of Exact Sciences
Classification: Likely benign for ZIC2-related condition. Last evaluated: 2019-06-04. Review status: no assertion criteria provided. Collection method: clinical testing. Allele origin: germline. Not counted in ClinVar's aggregate classification.
Comment: This variant is classified as likely benign based on ACMG/AMP sequence variant interpretation guidelines (Richards et al. 2015 PMID: 25741868, with internal and published modifications).